The following is an entry in ClinVar:

ClinVar aggregate classification (germline): Uncertain significance (1 of 4 stars; one submission).

Conditions:
Combined immunodeficiency due to MALT1 deficiency. Also called: Immunodeficiency 12. Identifiers: Orphanet 397964, MedGen C3809583, MONDO:0014197, OMIM 615468.

Allele frequency attached by ClinVar (database versions not stated): gnomAD exomes below 0.00001; 1000 Genomes Project 30x 0.00016; 1000 Genomes Project 0.00020.
gnomAD v4.1: 6 of 1,588,172 alleles (0.00038%); highest among the groups gnomAD compares: Non-Finnish European, 0.00051%; no homozygotes.

Submission:

Labcorp Genetics (formerly Invitae), Labcorp
Classification: Uncertain significance for Combined immunodeficiency due to MALT1 deficiency. Last evaluated: 2022-07-21. Review status: criteria provided, single submitter. Criteria: Invitae Variant Classification Sherloc (09022015). Collection method: clinical testing. Allele origin: germline.
Comment: This sequence change replaces glutamic acid, which is acidic and polar, with glutamine, which is neutral and polar, at codon 588 of the MALT1 protein (p.Glu588Gln). This variant is not present in population databases (gnomAD no frequency). This variant has not been reported in the literature in individuals affected with MALT1-related conditions. Algorithms developed to predict the effect of missense changes on protein structure and function are either unavailable or do not agree on the potential impact of this missense change (SIFT: "Tolerated"; PolyPhen-2: "Possibly Damaging"; Align-GVGD: "Class C0"). In summary, the available evidence is currently insufficient to determine the role of this variant in disease. Therefore, it has been classified as a Variant of Uncertain Significance.

NM_006785.4(MALT1):c.1762G>C (p.Glu588Gln)

Gene: MALT1 (MALT1 paracaspase; plus strand). Cytogenetic location: 18q21.32.
Variant type: single nucleotide variant.
Coding change: c.1762G>C on transcript NM_006785.4 (MANE Select); coding-DNA position 1762, G replaced by C.
Protein change: p.Glu588Gln; replaces glutamic acid 588 with glutamine.
Molecular consequence: missense variant.
Genome position (GRCh38, 1-based): chr18:58,744,346, G>C. VCF-style: chr18-58744346-G-C. GRCh37 (hg19) VCF-style: chr18-56411578-G-C.
Other names: c.1729G>C, p.Glu577Gln (NM_173844.3); short protein forms E577Q, E588Q.
Identifiers: ClinVar variation 1722277 (VCV001722277.3), dbSNP rs200942089, ClinGen allele CA300944241.